The following is an entry in ClinVar:

ClinVar aggregate classification (germline): Uncertain significance (1 of 4 stars; one submission).

gnomAD v4.1: 24 of 1,608,102 alleles (0.0015%); highest among the groups gnomAD compares: Middle Eastern, 0.017%; 1 homozygote.

Submission:

GeneDx
Classification: Uncertain significance. Last evaluated: 2024-02-27. Review status: criteria provided, single submitter. Criteria: GeneDx Variant Classification Process June 2021. Collection method: clinical testing. Allele origin: germline. Affected: yes.
Comment: Not observed at significant frequency in large population cohorts (gnomAD); In silico analysis supports that this missense variant does not alter protein structure/function; Has not been previously published as pathogenic or benign to our knowledge

NM_020247.5(COQ8A):c.587C>T (p.Thr196Met)

Gene: COQ8A (coenzyme Q8A; plus strand). Cytogenetic location: 1q42.13.
Variant type: single nucleotide variant.
Coding change: c.587C>T on transcript NM_020247.5 (MANE Select); coding-DNA position 587, C replaced by T.
Protein change: p.Thr196Met; replaces threonine 196 with methionine.
Molecular consequence: missense variant.
Genome position (GRCh38, 1-based): chr1:226,965,409, C>T. VCF-style: chr1-226965409-C-T. GRCh37 (hg19) VCF-style: chr1-227153110-C-T.
Other names: short protein forms T196M.
Identifiers: ClinVar variation 3369689 (VCV003369689.1).